The following is an entry in ClinVar:

ClinVar aggregate classification (germline): Uncertain significance (1 of 4 stars; one submission).

Allele frequency attached by ClinVar (database versions not stated): gnomAD exomes below 0.00001; gnomAD 0.00001; TOPMed 0.00001.
gnomAD v4.1: 2 of 1,609,278 alleles (0.00012%); highest among the groups gnomAD compares: African/African-American, 0.0027%; no homozygotes.

Submission:

GeneDx
Classification: Uncertain significance. Last evaluated: 2022-02-02. Review status: criteria provided, single submitter. Criteria: GeneDx Variant Classification Process June 2021. Collection method: clinical testing. Allele origin: germline. Affected: yes.
Comment: Not observed at significant frequency in large population cohorts (gnomAD); In silico analysis supports that this missense variant has a deleterious effect on protein structure/function; Has not been previously published as pathogenic or benign to our knowledge

NM_152416.4(NDUFAF6):c.398C>T (p.Pro133Leu)

Gene: NDUFAF6 (NADH:ubiquinone oxidoreductase complex assembly factor 6; plus strand). Cytogenetic location: 8q22.1.
Variant type: single nucleotide variant.
Coding change: c.398C>T on transcript NM_152416.4 (MANE Select); coding-DNA position 398, C replaced by T.
Protein change: p.Pro133Leu; replaces proline 133 with leucine.
Molecular consequence: missense variant. On other transcripts: 5 prime UTR variant (10), non-coding transcript variant (6).
Genome position (GRCh38, 1-based): chr8:95,035,554, C>T. VCF-style: chr8-95035554-C-T. GRCh37 (hg19) VCF-style: chr8-96047782-C-T.
Other names: c.122C>T, p.Pro41Leu (NM_001330582.2, NM_001354514.2, NM_001354515.2 and 1 more transcripts); c.242C>T, p.Pro81Leu (NM_001354516.2); c.65C>T, p.Pro22Leu (NM_001354517.2, NM_001354518.2, NM_001354519.2 and 1 more transcripts); c.-183C>T (NM_001354522.2, NM_001354529.2, NM_001354530.2 and 1 more transcripts); c.-252C>T (NM_001354524.2, NM_001354525.2, NM_001354528.2 and 1 more transcripts); c.-281C>T (NM_001354527.2, NM_001354531.2); short protein forms P133L, P22L, P41L, P81L.
Identifiers: ClinVar variation 1700556 (VCV001700556.2), dbSNP rs906392027, ClinGen allele CA181472798.